The following is an entry in ClinVar:

ClinVar aggregate classification (germline): Benign/Likely benign. Review status: criteria provided, multiple submitters, no conflicts (2 of 4 stars). 3 submissions from 3 submitters: Benign (1); Likely benign (2). Last evaluated 2026-01-14.

Conditions:
Von Hippel-Lindau syndrome (VHLS). Also called: von Hippel–Lindau syndrome; VHL syndrome; Von Hippel-Lindau. Identifiers: Orphanet 892, MedGen C0019562, MONDO:0008667, OMIM 193300. Disease mechanism: loss of function.
Chuvash polycythemia. Also called: POLYCYTHEMIA, VHL-DEPENDENT. Identifiers: Orphanet 238557, MedGen C1837915, MONDO:0009892, OMIM 263400.
Hereditary cancer-predisposing syndrome. Also called: Hereditary Cancer Syndrome; Hereditary neoplastic syndrome; Neoplastic Syndromes, Hereditary; Tumor predisposition. Identifiers: Orphanet 140162, MedGen C0027672, MeSH D009386, MONDO:0015356.

Allele frequency attached by ClinVar (database versions not stated): TOPMed below 0.00001; gnomAD exomes 0.00002.

Submissions (3):

Labcorp Genetics (formerly Invitae), Labcorp
Classification: Likely benign for Von Hippel-Lindau syndrome; Chuvash polycythemia. Last evaluated: 2026-01-14. Review status: criteria provided, single submitter. Criteria: Invitae Variant Classification Sherloc (09022015). Collection method: clinical testing. Allele origin: germline.

Myriad Genetics, Inc.
Classification: Benign for Von Hippel-Lindau syndrome. Last evaluated: 2025-06-10. Review status: criteria provided, single submitter. Criteria: Myriad Autosomal Dominant, Autosomal Recessive and X-Linked Classification Criteria (2023). Collection method: clinical testing. Allele origin: unknown.
Comment: This variant is considered benign. This variant is a silent/synonymous amino acid change and it is not expected to impact splicing.

Ambry Genetics
Classification: Likely benign for Hereditary cancer-predisposing syndrome. Last evaluated: 2020-12-04. Review status: criteria provided, single submitter. Criteria: Ambry Variant Classification Scheme 2023. Collection method: clinical testing. Allele origin: germline.

NM_000551.4(VHL):c.300G>T (p.Thr100=)

Gene: VHL (von Hippel-Lindau tumor suppressor; plus strand). Cytogenetic location: 3p25.3.
Variant type: single nucleotide variant.
Coding change: c.300G>T on transcript NM_000551.4 (MANE Select); coding-DNA position 300, G replaced by T.
Protein change: p.Thr100=; no amino-acid change (threonine 100 retained).
Molecular consequence: synonymous variant.
Genome position (GRCh38, 1-based): chr3:10,142,147, G>T. VCF-style: chr3-10142147-G-T. GRCh37 (hg19) VCF-style: chr3-10183831-G-T.
Other names: c.300G>T, p.Thr100= (NM_001354723.2, NM_198156.3).
Identifiers: ClinVar variation 1149942 (VCV001149942.12), dbSNP rs915491008, ClinGen allele CA432420524.
Genomic context (GRCh38, chr3:10,142,147, plus strand): 5'-TCCGCGCGTCGTGCTGCCCGTATGGCTCAACTTCGACGGCGAGCCGCAGCCCTACCCAAC[G>T]CTGCCGCCTGGCACGGGCCGCCGCATCCACAGCTACCGAGGTACGGGCCCGGCGCTTAGG-3'
Protein context (NP_000542.1, residues 90-110): NFDGEPQPYP[Thr100=]LPPGTGRRIH